The following is an entry in ClinVar:

NM_001369.3(DNAH5):c.9956T>G (p.Ile3319Ser)

Gene: DNAH5 (dynein axonemal heavy chain 5; minus strand). Cytogenetic location: 5p15.2.
Variant type: single nucleotide variant.
Coding change: c.9956T>G on transcript NM_001369.3 (MANE Select); coding-DNA position 9956, T replaced by G.
Protein change: p.Ile3319Ser; replaces isoleucine 3319 with serine.
Molecular consequence: missense variant.
Genome position (GRCh38, 1-based): chr5:13,766,121, A>C on the plus strand (T>G on the coding strand, the complement: DNAH5 is on the minus strand). VCF-style: chr5-13766121-A-C. GRCh37 (hg19) VCF-style: chr5-13766230-A-C.
Other names: short protein forms I3319S.
Identifiers: ClinVar variation 1526034 (VCV001526034.1), dbSNP rs2126762596, ClinGen allele CA359200220.
Genomic context (GRCh38, chr5:13,766,121, plus strand): 5'-ATTTTCACAGCACTGACTTTCCTTTGAAACAGCAGCAGTACGCAATCCATGATCCGCATG[A>C]TGAGGTGAGGGGGGCGGCCCAACGTGCGAACAGTGGCGATGTCCGAAGGCCTGATGGTCT-3'
Protein context (NP_001360.1, residues 3309-3329): VRTLGRPPHL[Ile3319Ser]MRIMDCVLLL

ClinVar aggregate classification (germline): Uncertain significance (1 of 4 stars; one submission).

Conditions:
Primary ciliary dyskinesia 3. Identifiers: Orphanet 244, MedGen C1837618, MONDO:0012085, OMIM 608644.

Submission:

3billion
Classification: Uncertain significance for Primary ciliary dyskinesia 3. Last evaluated: 2022-03-22. Review status: criteria provided, single submitter. Criteria: ACMG Guidelines, 2015. Collection method: clinical testing. Allele origin: germline. Affected: yes. Observed: 1 heterozygote.
Comment: The variant is not observed in the gnomAD v2.1.1 dataset. In silico tool predictions suggest damaging effect of the variant on gene or gene product (REVEL: 0.872>=0.6). Therefore, this variant is classified as uncertain significance according to the recommendation of ACMG/AMP guideline.